The following is an entry in ClinVar:

NM_025099.6(CTC1):c.*275G>A

Gene: CTC1 (CST telomere replication complex component 1; minus strand). Cytogenetic location: 17p13.1.
Variant type: single nucleotide variant.
Coding change: c.*275G>A on transcript NM_025099.6 (MANE Select); 275 bases downstream of the stop codon, G replaced by A.
Molecular consequence: 3 prime UTR variant. On other transcripts: non-coding transcript variant (1).
Genome position (GRCh38, 1-based): chr17:8,227,905, C>T on the plus strand (G>A on the coding strand, the complement: CTC1 is on the minus strand). VCF-style: chr17-8227905-C-T. GRCh37 (hg19) VCF-style: chr17-8131223-C-T.
Identifiers: ClinVar variation 326056 (VCV000326056.9), dbSNP rs3027246, ClinGen allele CA10641039.
Genomic context (GRCh38, chr17:8,227,905, plus strand): 5'-GTCAATAGGCCTGTCACCATCACCCCACAGCGAGCAAGTCTTTTGTTCCCTCAGCTCCTG[C>T]GACAAAGTCAGAACCCAGGTGCTCAGGGCCGCCTGTGAATGCAGGTGCCTTGTCCCAATC-3'

ClinVar aggregate classification (germline): Benign. Review status: criteria provided, multiple submitters, no conflicts (2 of 4 stars). 3 submissions from 3 submitters: Benign (3). Last evaluated 2018-11-27.

Conditions:
Dyskeratosis congenita. Identifiers: Orphanet 1775, MedGen C0265965, MONDO:0015780.

Allele frequency attached by ClinVar (database versions not stated): 1000 Genomes Project 30x 0.08885; 1000 Genomes Project 0.08946; TOPMed 0.14583; gnomAD exomes 0.17553.
gnomAD v4.1: 57,256 of 347,944 alleles (16%); highest among the groups gnomAD compares: Non-Finnish European, 22%; 5,889 homozygotes.

Submissions (3):

GeneDx
Classification: Benign. Last evaluated: 2018-11-27. Review status: criteria provided, single submitter. Criteria: GeneDx Variant Classification Process June 2021. Collection method: clinical testing. Allele origin: germline. Affected: yes.

Illumina Laboratory Services, Illumina
Classification: Benign for Dyskeratosis congenita. Last evaluated: 2018-01-12. Review status: criteria provided, single submitter. Criteria: ICSL Variant Classification Criteria 13 December 2019. Collection method: clinical testing. Allele origin: germline.
Comment: This variant was observed in the ICSL laboratory as part of a predisposition screen in an ostensibly healthy population. It had not been previously curated by ICSL or reported in the Human Gene Mutation Database (HGMD: prior to June 1st, 2018), and was therefore a candidate for classification through an automated scoring system. Utilizing variant allele frequency, disease prevalence and penetrance estimates, and inheritance mode, an automated score was calculated to assess if this variant is too frequent to cause the disease. Based on the score and internal cut-off values, a variant classified as benign is not then subjected to further curation. The score for this variant resulted in a classification of benign for this disease.

Breakthrough Genomics
Classification: Benign. Review status: criteria provided, single submitter. Criteria: ACMG Guidelines, 2015. Collection method: not provided. Allele origin: germline. Inheritance: Autosomal recessive inheritance. Affected: yes.